The following is an entry in ClinVar:

ClinVar aggregate classification (germline): Uncertain significance (1 of 4 stars; one submission).

Conditions:
Atrioventricular septal defect 4 (AVSD4). Identifiers: MedGen C3280781, MONDO:0013747, OMIM 614430.

gnomAD v4.1: 17 of 1,612,274 alleles (0.0011%); highest among the groups gnomAD compares: Non-Finnish European, 0.0014%; no homozygotes.

Submission:

Labcorp Genetics (formerly Invitae), Labcorp
Classification: Uncertain significance for Atrioventricular septal defect 4. Last evaluated: 2025-10-05. Review status: criteria provided, single submitter. Criteria: Invitae Variant Classification Sherloc (09022015). Collection method: clinical testing. Allele origin: germline.
Comment: This sequence change falls in intron 4 of the GATA4 gene. It does not directly change the encoded amino acid sequence of the GATA4 protein. It affects a nucleotide within the consensus splice site. This variant is present in population databases (rs374161282, gnomAD 0.003%). This variant has not been reported in the literature in individuals affected with GATA4-related conditions. ClinVar contains an entry for this variant (Variation ID: 2747193). Variants that disrupt the consensus splice site are a relatively common cause of aberrant splicing (PMID: 17576681, 9536098). Algorithms developed to predict the effect of sequence changes on RNA splicing suggest that this variant is not likely to affect RNA splicing. In summary, the available evidence is currently insufficient to determine the role of this variant in disease. Therefore, it has been classified as a Variant of Uncertain Significance.

Literature cited by the submitters: PubMed 17576681; PubMed 9536098.

NM_001308093.3(GATA4):c.912+4C>A

Gene: GATA4 (GATA binding protein 4). Cytogenetic location: 8p23.1.
Variant type: single nucleotide variant.
Coding change: c.912+4C>A on transcript NM_001308093.3 (MANE Select); 4 bases into the intron after coding-DNA position 912, C replaced by A.
Molecular consequence: intron variant.
Genome position (GRCh38, 1-based): chr8:11,750,240, C>A. VCF-style: chr8-11750240-C-A. GRCh37 (hg19) VCF-style: chr8-11607749-C-A.
Other names: c.291+4C>A (NM_001308094.2, NM_001374273.1); c.909+4C>A (NM_002052.5); c.165+1155C>A (NM_001374274.1).
Identifiers: ClinVar variation 2747193 (VCV002747193.3), dbSNP rs374161282, ClinGen allele CA4630731.
Genomic context (GRCh38, chr8:11,750,240, plus strand): 5'-AATGCGGAGGGCGAGCCTGTGTGCAATGCCTGCGGCCTCTACATGAAGCTCCACGGGGTA[C>A]GTGGGTCCTGCGCCCATGCGGCATCCTTGCCTTCTGATGCCCATCTCTCAGTCCTCCCTT-3'